The following is an entry in ClinVar:

NM_002880.4(RAF1):c.781C>G (p.Pro261Ala)

Gene: RAF1 (Raf-1 proto-oncogene, serine/threonine kinase; minus strand). Cytogenetic location: 3p25.2.
Variant type: single nucleotide variant.
Coding change: c.781C>G on transcript NM_002880.4 (MANE Select); coding-DNA position 781, C replaced by G.
Protein change: p.Pro261Ala; replaces proline 261 with alanine.
Molecular consequence: missense variant. On other transcripts: non-coding transcript variant (3).
Genome position (GRCh38, 1-based): chr3:12,604,189, G>C on the plus strand (C>G on the coding strand, the complement: RAF1 is on the minus strand). VCF-style: chr3-12604189-G-C. GRCh37 (hg19) VCF-style: chr3-12645688-G-C.
Other names: c.781C>G, p.Pro261Ala (NM_001354689.3, NM_001354690.3); c.538C>G, p.Pro180Ala (NM_001354691.3, NM_001354692.3, NM_001354694.3); c.682C>G, p.Pro228Ala (NM_001354693.3); c.439C>G, p.Pro147Ala (NM_001354695.3); short protein forms P261A, P180A, P147A, P228A.
Identifiers: ClinVar variation 40605 (VCV000040605.22), dbSNP rs121434594, ClinGen allele CA261626.

ClinVar aggregate classification (germline): Pathogenic/Likely pathogenic. Review status: criteria provided, multiple submitters, no conflicts (2 of 4 stars). 9 submissions from 9 submitters: Pathogenic (7); Likely pathogenic (1). 1 of the submissions does not count toward it. Last evaluated 2025-11-26.

Conditions:
RAF1-related disorder. Also called: RAF1-related condition; RAF1-related disorders.
RASopathy. Also called: rasopathies; Noonan spectrum disorder. Identifiers: Orphanet 536391, MedGen C5555857, MONDO:0021060.
Noonan syndrome (NS). Also called: Noonan's syndrome. Identifiers: Orphanet 648, MedGen C0028326, MeSH D009634, MONDO:0018997. Disease mechanism: gain of function.
Noonan syndrome 5 (NS5). Also called: RAF1-Related Noonan Syndrome. Identifiers: Orphanet 648, MedGen C1969057, MONDO:0012690, OMIM 611553. Disease mechanism: gain of function.
LEOPARD syndrome 2 (LPRD2). Also called: RAF1-Related LEOPARD Syndrome. Identifiers: Orphanet 500, MedGen C1969056, MONDO:0012691, OMIM 611554.
Dilated cardiomyopathy 1NN. Identifiers: Orphanet 154, MedGen C4014656, MONDO:0014396, OMIM 615916.

Submissions (9):

3billion
Classification: Pathogenic for Noonan syndrome 5. Last evaluated: 2025-11-26. Review status: criteria provided, single submitter. Criteria: ACMG Guidelines, 2015. Collection method: clinical testing. Allele origin: germline. Affected: yes.
Comment: The variant is not observed in the gnomAD v4.1.0 dataset. Predicted Consequence/Location: The variant is located in a mutational hot spot and/or well-established functional domain in which established pathogenic variants have been reported (PMID: 29493581). Missense variant. Missense changes are a common disease-causing mechanism. In silico tool predictions suggest damaging effect of the variant on gene or gene product [REVEL: 0.83 (>=0.6, sensitivity 0.68 and specificity 0.92); 3Cnet: 0.99 (> 0.75, sensitivity 0.96 and precision 0.92)]. The same nucleotide change resulting in the same amino acid change has been previously reported as pathogenic/likely pathogenic with strong evidence (ClinVar ID: VCV000040605 /PMID: 17603482). Different missense changes at the same codon (p.Pro261Arg, p.Pro261His, p.Pro261Leu, p.Pro261Ser, p.Pro261Thr) have been reported as pathogenic/likely pathogenic with strong evidence (ClinVar ID: VCV000013958, VCV000040604, VCV000040606, VCV000120246, VCV001760795 /PMID: 17603482, 17603483, 21784453, 22465605, 25862627 /3billion dataset). Therefore, this variant is classified as Pathogenic according to the recommendation of ACMG/AMP guideline.

Labcorp Genetics (formerly Invitae), Labcorp
Classification: Pathogenic for RASopathy. Last evaluated: 2025-07-09. Review status: criteria provided, single submitter. Criteria: Invitae Variant Classification Sherloc (09022015). Collection method: clinical testing. Allele origin: germline.
Comment: This sequence change replaces proline, which is neutral and non-polar, with alanine, which is neutral and non-polar, at codon 261 of the RAF1 protein (p.Pro261Ala). This variant is not present in population databases (gnomAD no frequency). This missense change has been observed in individual(s) with Noonan syndrome (PMID: 17603482, 20052757, 23885229). In at least one individual the variant was observed to be de novo. ClinVar contains an entry for this variant (Variation ID: 40605). Invitae Evidence Modeling incorporating data from in vitro experimental studies (internal data) indicates that this missense variant is expected to disrupt RAF1 function with a positive predictive value of 95%. Experimental studies have shown that this missense change affects RAF1 function (PMID: 17603482, 20052757, 20679480). This variant disrupts the p.Pro261 amino acid residue in RAF1. Other variant(s) that disrupt this residue have been determined to be pathogenic (PMID: 17603483, 20683980, 21784453, 26266034). This suggests that this residue is clinically significant, and that variants that disrupt this residue are likely to be disease-causing. For these reasons, this variant has been classified as Pathogenic.

Victorian Clinical Genetics Services, Murdoch Childrens Research Institute
Classification: Pathogenic for Noonan syndrome 5. Last evaluated: 2024-10-09. Review status: criteria provided, single submitter. Criteria: ACMG Guidelines, 2015. Collection method: clinical testing. Allele origin: germline. Inheritance: Autosomal dominant inheritance. Affected: yes.
Comment: Based on the classification scheme VCGS_Germline_v1.3.4, this variant is classified as Pathogenic. Following criteria are met: 0103 - Loss of function and gain of function are known mechanisms of disease in this gene. Gain of function is associated with Noonan (MIM#611553) and LEOPARD syndromes (MIM#2611554), while loss of function is associated with non-HCM-associated variants (PMID: 17603483, 17603482). (I) 0107 - This gene is associated with autosomal dominant disease. (I) 0200 - Variant is predicted to result in a missense amino acid change from proline to alanine. (I) 0251 - This variant is heterozygous. (I) 0301 - Variant is absent from gnomAD (both v2 and v3). (SP) 0502 - Missense variant with conflicting in silico predictions and high conservation. (I) 0602 - Variant is located in a hotspot region or cluster of pathogenic variants (DECIPHER). (SP) 0801 - This variant has strong previous evidence of pathogenicity in unrelated individuals. This variant has been classified as pathogenic and likely pathogenic by multiple clinical laboratories in ClinVar. This variant has also been observed in multiple unrelated heterozygous individuals with Noonan syndrome, some of whom had hypertrophic cardiomyopathy (PMID: 23885229, 20052757, 33128510, 17603482). (SP) 1208 - Inheritance information for this variant is not currently available in this individual. (I) Legend: (SP) - Supporting pathogenic, (I) - Information, (SB) - Supporting benign

Blueprint Genetics
Classification: Likely pathogenic for RAF1-related disorders. Last evaluated: 2019-03-14. Review status: criteria provided, single submitter. Criteria: ACMG Guidelines, 2015. Collection method: clinical testing. Allele origin: germline. Affected: yes. Observed: 1 variant allele.

Fulgent Genetics
Classification: Pathogenic for Noonan syndrome 5; LEOPARD syndrome 2; Dilated cardiomyopathy 1NN. Last evaluated: 2018-10-31. Review status: criteria provided, single submitter. Criteria: ACMG Guidelines, 2015. Collection method: clinical testing. Allele origin: unknown.

GeneDx
Classification: Pathogenic. Last evaluated: 2016-06-27. Review status: criteria provided, single submitter. Criteria: GeneDx Variant Classification (06012015). Collection method: clinical testing. Allele origin: germline. Affected: yes.
Comment: The P261A variant has been published previously in association with RAF1-related disorders (Razzaque et al., 2007; Stevenson et al., 2011; Croonen et al., 2013). The variant was not observed in approximately 6,500 individuals of European and African American ancestry in the NHLBI Exome Sequencing Project, indicating it is not a common benign variant in these populations. P261A is a semi-conservative amino acid substitution, which may impact secondary protein structure as these residues differ in some properties. This substitution occurs at a position that is conserved across species, and in silico analysis predicts this variant is probably damaging to the protein structure/function. Functional studies have shown that P261A leads to increased activity of the RAF1 protein (Razzaque et al., 2007; Molzan et al., 2010). Missense variants in the same residue (P261T/S/H/L/R) and in nearby residues (R256S, S257L, S259P/T/F, T260I/R, N262I, N262K, V263A/D) have been reported in the Human Gene Mutation Database in association with RAF1-related disorders (Stenson et al., 2014), supporting the functional importance of this region of the protein. Therefore, we consider this variant to be pathogenic.

Laboratory for Molecular Medicine, Mass General Brigham Personalized Medicine
Classification: Pathogenic for Noonan syndrome. Last evaluated: 2014-10-27. Review status: criteria provided, single submitter. Criteria: LMM Criteria. Collection method: clinical testing. Allele origin: germline. Observed: 1 variant allele.
Comment: The p.Pro261Ala variant in RAF1 has been identified in three individuals with cl inical features of Noonan syndrome (Razzaque 2007, Croonen 2013, LMM unpublished data), and was absent from large population studies (du/EVS/; dbSNP rs121434594). Different pathogenic amino acid changes (p.Pro261Le u, p.Pro261Ser, p.Pro261Thr) at this location have been identified in individual s with clinical features of Noonan syndrome, two of which (p.Pro261Leu, p.Pro261 Thr) were reported to have occurred de novo in one individual each (Razzaque 200 7, Pandit 2007, LMM unpublished data), suggesting that changes at this position are not tolerated. Studies have shown that the p.Pro261Ala variant impacts prote in function by increasing its kinase activity (Razzaque 2007). However, these in vitro assays may not accurately represent biological function. Individuals wit h pathogenic variants in exon 7 or 17 in RAF1 are reported to also have a higher incidence of hypertrophic cardiomyopathy (HCM 80-95%) than typically seen in No onan syndrome (Razzaque 2007, Pandit 2007). In summary, the p.Pro261Ala variant meets our criteria to be classified as pathogenic based upon number of cases, abse nce from controls, evidence of other pathogenic variants in the same codon, and functional evidence.

Eurofins Ntd Llc (ga)
Classification: Pathogenic. Last evaluated: 2014-09-17. Review status: criteria provided, single submitter. Criteria: EGL Classification Definitions 2015. Collection method: clinical testing. Allele origin: germline. Observed: 1 variant allele, 1 heterozygote.

PreventionGenetics, part of Exact Sciences
Classification: Pathogenic for RAF1-related condition. Last evaluated: 2023-12-18. Review status: no assertion criteria provided. Collection method: clinical testing. Allele origin: germline. Not counted in ClinVar's aggregate classification.
Comment: The RAF1 c.781C>G variant is predicted to result in the amino acid substitution p.Pro261Ala. This variant has been reported in multiple individuals with Noonan syndrome (see for example - Razzaque et al. 2007. PubMed ID: 17603482; Maher et al. 2018. PubMed ID: 30355600; Table S2, Leach et al. 2018. PubMed ID: 29907801). Functional studies found this variant leads to increased RAF1 kinase, consistent with a gain-of-function mechanism (Razzaque et al. 2007. PubMed ID: 17603482). This variant has not been reported in a large population database, indicating this variant is rare. Additionally, alternate missense variants affecting this amino acid (p.Pro261Thr, p.Pro261Ser, p.Pro261His, p.Pro261Arg, p.Pro261Leu) have been reported as pathogenic (Human Gene Mutation Database). This variant is interpreted as pathogenic.

Literature cited by the submitters: PubMed 17603482 (cited by 4 submitters); PubMed 20052757 (cited by Labcorp Genetics (formerly Invitae), Labcorp and Victorian Clinical Genetics Services, Murdoch Childrens Research Institute); PubMed 23885229 (cited by 3 submitters); PubMed 20679480 (cited by Labcorp Genetics (formerly Invitae), Labcorp); PubMed 17603483 (cited by Labcorp Genetics (formerly Invitae), Labcorp and Victorian Clinical Genetics Services, Murdoch Childrens Research Institute); PubMed 20683980 (cited by Labcorp Genetics (formerly Invitae), Labcorp); PubMed 21784453 (cited by Labcorp Genetics (formerly Invitae), Labcorp); PubMed 26266034 (cited by Labcorp Genetics (formerly Invitae), Labcorp); PubMed 33128510 (cited by Victorian Clinical Genetics Services, Murdoch Childrens Research Institute).